The following is an entry in ClinVar:

NM_182961.4(SYNE1):c.1062C>T (p.Phe354=)

Gene: SYNE1 (spectrin repeat containing nuclear envelope protein 1; minus strand). Cytogenetic location: 6q25.2.
Variant type: single nucleotide variant.
Coding change: c.1062C>T on transcript NM_182961.4 (MANE Select); coding-DNA position 1062, C replaced by T.
Protein change: p.Phe354=; no amino-acid change (phenylalanine 354 retained).
Molecular consequence: synonymous variant.
Genome position (GRCh38, 1-based): chr6:152,484,958, G>A on the plus strand (C>T on the coding strand, the complement: SYNE1 is on the minus strand). VCF-style: chr6-152484958-G-A. GRCh37 (hg19) VCF-style: chr6-152806093-G-A.
Other names: c.1083C>T, p.Phe361= (NM_033071.5).
Identifiers: ClinVar variation 390668 (VCV000390668.5), dbSNP rs1057523855, ClinGen allele CA16605003.

ClinVar aggregate classification (germline): Conflicting classifications of pathogenicity. Review status: criteria provided, conflicting classifications (1 of 4 stars). 2 submissions from 2 submitters: Uncertain significance (1); Likely benign (1). Last evaluated 2017-07-10.

Allele frequency attached by ClinVar (database versions not stated): gnomAD exomes below 0.00001; TOPMed below 0.00001.
gnomAD v4.1: 1 of 1,612,294 alleles (0.000062%); highest among the groups gnomAD compares: African/African-American, 0.0013%; no homozygotes.

Submissions (2):

Eurofins Ntd Llc (ga)
Classification: Uncertain significance. Last evaluated: 2017-07-10. Review status: criteria provided, single submitter. Criteria: EGL Classification Definitions 2015. Collection method: clinical testing. Allele origin: germline. Observed: 1 variant allele, 1 heterozygote.

GeneDx
Classification: Likely benign. Last evaluated: 2016-11-15. Review status: criteria provided, single submitter. Criteria: GeneDx Variant Classification (06012015). Collection method: clinical testing. Allele origin: germline. Affected: yes.
Comment: This variant is considered likely benign or benign based on one or more of the following criteria: it is a conservative change, it occurs at a poorly conserved position in the protein, it is predicted to be benign by multiple in silico algorithms, and/or has population frequency not consistent with disease.